The following is an entry in ClinVar:

NM_004104.5(FASN):c.4477C>G (p.Leu1493Val)

Gene: FASN (fatty acid synthase; minus strand). Cytogenetic location: 17q25.3.
Variant type: single nucleotide variant.
Coding change: c.4477C>G on transcript NM_004104.5 (MANE Select); coding-DNA position 4477, C replaced by G.
Protein change: p.Leu1493Val; replaces leucine 1493 with valine.
Molecular consequence: missense variant.
Genome position (GRCh38, 1-based): chr17:82,084,886, G>C on the plus strand (C>G on the coding strand, the complement: FASN is on the minus strand). VCF-style: chr17-82084886-G-C. GRCh37 (hg19) VCF-style: chr17-80042762-G-C.
Other names: short protein forms L1493V.
Identifiers: ClinVar variation 574615 (VCV000574615.9), dbSNP rs1451796502, ClinGen allele CA401546654.
Genomic context (GRCh38, chr17:82,084,886, plus strand): 5'-CCCCCCAGGCCCCGTCGCGGTAGACGTTCATCACCAGGTCTCCCTGCAACACCTTCTGCA[G>C]TTCTGCGGAGCCCGGGTCCACCTCCGGGACGTGGGAGGTGCTGCTGAGGTTGGAGAGCAG-3'
Protein context (NP_004095.4, residues 1483-1503): VPEVDPGSAE[Leu1493Val]QKVLQGDLVM

ClinVar aggregate classification (germline): Uncertain significance (1 of 4 stars; one submission).

Conditions:
Epileptic encephalopathy. Identifiers: MedGen C0543888, HP:0200134.

Allele frequency attached by ClinVar (database versions not stated): gnomAD exomes below 0.00001 and 0.00001; TOPMed below 0.00001; gnomAD 0.00001.
gnomAD v4.1: 9 of 1,550,828 alleles (0.00058%); highest among the groups gnomAD compares: Admixed American, 0.0098%; no homozygotes.

Submission:

Labcorp Genetics (formerly Invitae), Labcorp
Classification: Uncertain significance for Epileptic encephalopathy. Last evaluated: 2025-07-31. Review status: criteria provided, single submitter. Criteria: Invitae Variant Classification Sherloc (09022015). Collection method: clinical testing. Allele origin: germline.
Comment: This sequence change replaces leucine, which is neutral and non-polar, with valine, which is neutral and non-polar, at codon 1493 of the FASN protein (p.Leu1493Val). This variant is present in population databases (no rsID available, gnomAD 0.004%). This variant has not been reported in the literature in individuals affected with FASN-related conditions. ClinVar contains an entry for this variant (Variation ID: 574615). An algorithm developed to predict the effect of missense changes on protein structure and function (PolyPhen-2) suggests that this variant is likely to be tolerated. In summary, the available evidence is currently insufficient to determine the role of this variant in disease. Therefore, it has been classified as a Variant of Uncertain Significance.